The following is an entry in ClinVar:

ClinVar aggregate classification (germline): Uncertain significance (1 of 4 stars; one submission).

Submission:

GeneDx
Classification: Uncertain significance. Last evaluated: 2024-03-13. Review status: criteria provided, single submitter. Criteria: GeneDx Variant Classification Process June 2021. Collection method: clinical testing. Allele origin: germline. Affected: yes.
Comment: Not observed at significant frequency in large population cohorts (gnomAD); In silico analysis supports that this missense variant has a deleterious effect on protein structure/function; Has not been previously published as pathogenic or benign to our knowledge

NM_001001331.4(ATP2B2):c.303G>C (p.Glu101Asp)

Gene: ATP2B2 (ATPase plasma membrane Ca2+ transporting 2; minus strand). Cytogenetic location: 3p25.3.
Variant type: single nucleotide variant.
Coding change: c.303G>C on transcript NM_001001331.4 (MANE Select); coding-DNA position 303, G replaced by C.
Protein change: p.Glu101Asp; replaces glutamic acid 101 with aspartic acid.
Molecular consequence: missense variant.
Genome position (GRCh38, 1-based): chr3:10,410,712, C>G on the plus strand (G>C on the coding strand, the complement: ATP2B2 is on the minus strand). VCF-style: chr3-10410712-C-G. GRCh37 (hg19) VCF-style: chr3-10452396-C-G.
Other names: c.303G>C, p.Glu101Asp (NM_001683.5, NM_001330611.3, NM_001353564.1 and 1 more transcripts); short protein forms E101D.
Identifiers: ClinVar variation 3370660 (VCV003370660.1).